The following is an entry in ClinVar:

NM_032043.3(BRIP1):c.1591T>C (p.Phe531Leu)

Gene: BRIP1 (BRCA1 interacting DNA helicase 1; minus strand). Cytogenetic location: 17q23.2.
Variant type: single nucleotide variant.
Coding change: c.1591T>C on transcript NM_032043.3 (MANE Select); coding-DNA position 1591, T replaced by C.
Protein change: p.Phe531Leu; replaces phenylalanine 531 with leucine.
Molecular consequence: missense variant.
Genome position (GRCh38, 1-based): chr17:61,784,307, A>G on the plus strand (T>C on the coding strand, the complement: BRIP1 is on the minus strand). VCF-style: chr17-61784307-A-G. GRCh37 (hg19) VCF-style: chr17-59861668-A-G.
Other names: short protein forms F531L.
Identifiers: ClinVar variation 5033414 (VCV005033414.1).

ClinVar aggregate classification (germline): Uncertain significance (1 of 4 stars; one submission).

Conditions:
Hereditary cancer-predisposing syndrome. Also called: Neoplastic Syndromes, Hereditary; Tumor predisposition; Hereditary neoplastic syndrome; Hereditary Cancer Syndrome. Identifiers: Orphanet 140162, MedGen C0027672, MeSH D009386, MONDO:0015356.

Submission:

Ambry Genetics
Classification: Uncertain significance for Hereditary cancer-predisposing syndrome. Last evaluated: 2026-07-07. Review status: criteria provided, single submitter. Criteria: Ambry Variant Classification Scheme 2023. Collection method: clinical testing. Allele origin: germline.
Comment: The p.F531L variant (also known as c.1591T>C), located in coding exon 10 of the BRIP1 gene, results from a T to C substitution at nucleotide position 1591. The phenylalanine at codon 531 is replaced by leucine, an amino acid with highly similar properties. This amino acid position is conserved. In addition, the in silico prediction for this alteration is inconclusive. Based on the available evidence, the clinical significance of this variant remains unclear.